The following is an entry in ClinVar:

NM_004826.4(ECEL1):c.1907C>T (p.Thr636Met)

Gene: ECEL1 (endothelin converting enzyme like 1; minus strand). Cytogenetic location: 2q37.1.
Variant type: single nucleotide variant.
Coding change: c.1907C>T on transcript NM_004826.4 (MANE Select); coding-DNA position 1907, C replaced by T.
Protein change: p.Thr636Met; replaces threonine 636 with methionine.
Molecular consequence: missense variant.
Genome position (GRCh38, 1-based): chr2:232,481,588, G>A on the plus strand (C>T on the coding strand, the complement: ECEL1 is on the minus strand). VCF-style: chr2-232481588-G-A. GRCh37 (hg19) VCF-style: chr2-233346298-G-A.
Other names: c.1901C>T, p.Thr634Met (NM_001290787.2); short protein forms T634M, T636M.
Identifiers: ClinVar variation 1805546 (VCV001805546.3), dbSNP rs146580059, ClinGen allele CA2167037.
Genomic context (GRCh38, chr2:232,481,588, plus strand): 5'-TTGTCATAGAGACGGACGATGCACTCAGCCTTTCGCAGGAAGCGGCTGTAGGAGGCCTCC[G>A]TCCACCAGTGCAGCAGGTTCCCTGAGCGGTCATACTGGCCCCCTGTGGGCAGTGCAGCAG-3'
Protein context (NP_004817.2, residues 626-646): DRSGNLLHWW[Thr636Met]EASYSRFLRK

ClinVar aggregate classification (germline): Conflicting classifications of pathogenicity. Review status: criteria provided, conflicting classifications (1 of 4 stars). 2 submissions from 2 submitters: Likely pathogenic (1); Uncertain significance (1). Last evaluated 2025-07-10.

Conditions:
Distal arthrogryposis type 5D (DA5D). Identifiers: Orphanet 329457, MedGen C3554415, MONDO:0014028, OMIM 615065.

Allele frequency attached by ClinVar (database versions not stated): ExAC 0.00002; gnomAD exomes 0.00004; ESP Exome Variant Server 0.00008; gnomAD 0.00001; TOPMed 0.00002.
gnomAD v4.1: 58 of 1,613,660 alleles (0.0036%); highest among the groups gnomAD compares: Admixed American, 0.0067%; no homozygotes.

Submissions (2):

Dasa
Classification: Uncertain significance. Last evaluated: 2025-07-10. Review status: criteria provided, single submitter. Criteria: DASA Assertion Criteria. Collection method: clinical testing. Allele origin: germline.
Comment: NM_004826.4(ECEL1):c.1907C>T (p.Thr636Met) is a missense variant that results in the substitution of threonine with methionine. This variant is rare in population databases. Computational prediction algorithms are consistent with a deleterious effect. The currently available literature and clinical evidence are not sufficient to establish a definitive association between this variant and the reported condition. Therefore, this variant is classified as a variant of uncertain significance.

Victorian Clinical Genetics Services, Murdoch Childrens Research Institute
Classification: Likely pathogenic for Distal arthrogryposis type 5D. Last evaluated: 2020-05-21. Review status: criteria provided, single submitter. Criteria: ACMG Guidelines, 2015. Collection method: clinical testing. Allele origin: germline. Inheritance: Autosomal recessive inheritance. Affected: yes.
Comment: A heterozygous missense variant was identified, NM_004826.3(ECEL1):c.1907C>T in exon 14 of 18 of the ECEL1 gene. This substitution is predicted to create a moderate amino acid change from threonine to methionine at position 636 of the protein, NP_004817.2(ECEL1):p.(Thr636Met). The threonine at this position has high conservation (100 vertebrates, UCSC), and is located within the Peptidase M13 domain (PDB). In silico software predicts this variant to be damaging (PolyPhen, SIFT, CADD, MutationTaster). The variant is present in the gnomAD population database at a frequency of 0.002% (5 heterozygotes; 0 homozygotes). The variant has not previously been reported in clinical cases. Based on information available at the time of curation, this variant has been classified as LIKELY PATHOGENIC. NB: This variant has been reclassified as likely pathogenic due to confirmation that it is in trans with a pathogenic variant.